The following is an entry in ClinVar:

NM_005751.5(AKAP9):c.2161A>G (p.Ile721Val)

Gene: AKAP9 (A-kinase anchoring protein 9; plus strand). Cytogenetic location: 7q21.2.
Variant type: single nucleotide variant.
Coding change: c.2161A>G on transcript NM_005751.5 (MANE Select); coding-DNA position 2161, A replaced by G.
Protein change: p.Ile721Val; replaces isoleucine 721 with valine.
Molecular consequence: missense variant.
Genome position (GRCh38, 1-based): chr7:92,002,078, A>G. VCF-style: chr7-92002078-A-G. GRCh37 (hg19) VCF-style: chr7-91631392-A-G.
Other names: c.2161A>G, p.Ile721Val (NM_147185.3); short protein forms I721V.
Identifiers: ClinVar variation 1786916 (VCV001786916.2), dbSNP rs1332040015, ClinGen allele CA368123462.

ClinVar aggregate classification (germline): Uncertain significance (1 of 4 stars; one submission).

Conditions:
Cardiovascular phenotype. Identifiers: MedGen CN230736.

Allele frequency attached by ClinVar (database versions not stated): gnomAD exomes below 0.00001; gnomAD 0.00001; TOPMed 0.00001.
gnomAD v4.1: 2 of 1,595,690 alleles (0.00013%); highest among the groups gnomAD compares: Admixed American, 0.0036%; no homozygotes.

Submission:

Ambry Genetics
Classification: Uncertain significance for Cardiovascular phenotype. Last evaluated: 2020-08-04. Review status: criteria provided, single submitter. Criteria: Ambry Variant Classification Scheme 2023. Collection method: clinical testing. Allele origin: germline.
Comment: The p.I721V variant (also known as c.2161A>G), located in coding exon 8 of the AKAP9 gene, results from an A to G substitution at nucleotide position 2161. The isoleucine at codon 721 is replaced by valine, an amino acid with highly similar properties. This amino acid position is not well conserved in available vertebrate species. In addition, this alteration is predicted to be tolerated by in silico analysis. Since supporting evidence is limited at this time, the clinical significance of this alteration remains unclear.